The following is an entry in ClinVar:

ClinVar aggregate classification (germline): Uncertain significance. Review status: criteria provided, multiple submitters, no conflicts (2 of 4 stars). 2 submissions from 2 submitters: Uncertain significance (2). Last evaluated 2024-04-15.

Conditions:
Cryopyrin associated periodic syndrome (CAPS). Identifiers: Orphanet 208650, MedGen C2316212, MONDO:0016168.

Allele frequency attached by ClinVar (database versions not stated): TOPMed 0.00001.

Submissions (2):

Labcorp Genetics (formerly Invitae), Labcorp
Classification: Uncertain significance for Cryopyrin associated periodic syndrome. Last evaluated: 2024-04-15. Review status: criteria provided, single submitter. Criteria: Invitae Variant Classification Sherloc (09022015). Collection method: clinical testing. Allele origin: germline.
Comment: This sequence change replaces serine, which is neutral and polar, with glycine, which is neutral and non-polar, at codon 795 of the NLRP3 protein (p.Ser795Gly). This variant is not present in population databases (gnomAD no frequency). This variant has not been reported in the literature in individuals affected with NLRP3-related conditions. ClinVar contains an entry for this variant (Variation ID: 424532). Advanced modeling of protein sequence and biophysical properties (such as structural, functional, and spatial information, amino acid conservation, physicochemical variation, residue mobility, and thermodynamic stability) has been performed at Invitae for this missense variant, however the output from this modeling did not meet the statistical confidence thresholds required to predict the impact of this variant on NLRP3 protein function. In summary, the available evidence is currently insufficient to determine the role of this variant in disease. Therefore, it has been classified as a Variant of Uncertain Significance.

GeneDx
Classification: Uncertain significance. Last evaluated: 2017-03-24. Review status: criteria provided, single submitter. Criteria: GeneDx Variant Classification (06012015). Collection method: clinical testing. Allele origin: germline. Affected: yes.
Comment: The S795G variant has not been published as a pathogenic variant, nor has it been reported as a benign variant to our knowledge. The variant is not observed in large population cohorts (Lek et al., 2016; 1000 Genomes Consortium et al., 2015; Exome Variant Server). S795G is a non-conservative amino acid substitution, which is likely to impact secondary protein structure as these residues differ in polarity, charge, size and/or other properties. This substitution occurs at a position that is conserved in mammals, and in silico analysis is inconsistent in its predictions as to whether or not the variant is damaging to the protein structure/function. In summary, based on the currently available information, it is unclear whether this variant is a pathogenic variant or a rare benign variant.

NM_001243133.2(NLRP3):c.2377A>G (p.Ser793Gly)

Gene: NLRP3 (NLR family pyrin domain containing 3; plus strand). Cytogenetic location: 1q44.
Variant type: single nucleotide variant.
Coding change: c.2377A>G on transcript NM_001243133.2 (MANE Select); coding-DNA position 2377, A replaced by G.
Protein change: p.Ser793Gly; replaces serine 793 with glycine.
Molecular consequence: missense variant.
Genome position (GRCh38, 1-based): chr1:247,434,158, A>G. VCF-style: chr1-247434158-A-G. GRCh37 (hg19) VCF-style: chr1-247597460-A-G.
Other names: c.2377A>G, p.Ser793Gly (NM_001079821.3, NM_001127461.3); c.2206A>G, p.Ser736Gly (NM_001127462.3, NM_183395.3); c.2383A>G, p.Ser795Gly (NM_004895.5); short protein forms S795G, S793G, S736G.
Identifiers: ClinVar variation 424532 (VCV000424532.4), dbSNP rs1064797023, ClinGen allele CA16617130.
Genomic context (GRCh38, chr1:247,434,158, plus strand): 5'-TGAAGGTTGGGGCGCTGTGGCCTCTCGCATGAGTGCTGCTTCGACATCTCCTTGGTCCTC[A>G]GCAGCAACCAGAAGCTGGTGGAGCTGGACCTGAGTGACAACGCCCTCGGTGACTTCGGAA-3'
Protein context (NP_001230062.1, residues 783-803): ECCFDISLVL[Ser793Gly]SNQKLVELDL